The following is an entry in ClinVar:

NM_031935.3(HMCN1):c.5966A>G (p.Tyr1989Cys)

Gene: HMCN1 (hemicentin 1; plus strand). Cytogenetic location: 1q31.1.
Variant type: single nucleotide variant.
Coding change: c.5966A>G on transcript NM_031935.3 (MANE Select); coding-DNA position 5966, A replaced by G.
Protein change: p.Tyr1989Cys; replaces tyrosine 1989 with cysteine.
Molecular consequence: missense variant.
Genome position (GRCh38, 1-based): chr1:186,038,943, A>G. VCF-style: chr1-186038943-A-G. GRCh37 (hg19) VCF-style: chr1-186008075-A-G.
Other names: short protein forms Y1989C.
Identifiers: ClinVar variation 3618345 (VCV003618345.2).
Genomic context (GRCh38, chr1:186,038,943, plus strand): 5'-TCTTGAACAGAGGACAGATCATTGATATTGAAAGTGCCCAGATCTCAGATGCTGGCATAT[A>G]TAAATGCGTGGCCATCAACTCAGCTGGAGCTACAGAGTTATTTTACAGTCTGCAAGTTCA-3'
Protein context (NP_114141.2, residues 1979-1999): ESAQISDAGI[Tyr1989Cys]KCVAINSAGA

ClinVar aggregate classification (germline): Uncertain significance (1 of 4 stars; one submission).

gnomAD v4.1: 11 of 1,612,640 alleles (0.00068%); highest among the groups gnomAD compares: Non-Finnish European, 0.00093%; no homozygotes.

Submission:

Labcorp Genetics (formerly Invitae), Labcorp
Classification: Uncertain significance. Last evaluated: 2024-06-12. Review status: criteria provided, single submitter. Criteria: Invitae Variant Classification Sherloc (09022015). Collection method: clinical testing. Allele origin: germline.
Comment: This sequence change replaces tyrosine, which is neutral and polar, with cysteine, which is neutral and slightly polar, at codon 1989 of the HMCN1 protein (p.Tyr1989Cys). This variant is present in population databases (no rsID available, gnomAD 0.007%). This variant has not been reported in the literature in individuals affected with HMCN1-related conditions. An algorithm developed to predict the effect of missense changes on protein structure and function (PolyPhen-2) suggests that this variant is likely to be disruptive. In summary, the available evidence is currently insufficient to determine the role of this variant in disease. Therefore, it has been classified as a Variant of Uncertain Significance.